The following is an entry in ClinVar:

NM_004086.3(COCH):c.239+78T>C

Genes: COCH (cochlin; plus strand), LOC100506071 (uncharacterized LOC100506071; minus strand). Cytogenetic location: 14q12.
Variant type: single nucleotide variant.
Coding change: c.239+78T>C on transcript NM_004086.3 (MANE Select); 78 bases into the intron after coding-DNA position 239, T replaced by C.
Molecular consequence: intron variant.
Genome position (GRCh38, 1-based): chr14:30,877,806, T>C. VCF-style: chr14-30877806-T-C. GRCh37 (hg19) VCF-style: chr14-31347012-T-C.
Other names: c.434+78T>C (NM_001347720.2); c.239+78T>C (NM_001135058.2).
Identifiers: ClinVar variation 177681 (VCV000177681.6), dbSNP rs2239581, ClinGen allele CA180609.

ClinVar aggregate classification (germline): Benign. Review status: criteria provided, multiple submitters, no conflicts (2 of 4 stars). 3 submissions from 3 submitters: Benign (2). 1 of the submissions does not count toward it. Last evaluated 2018-06-14.

Allele frequency attached by ClinVar (database versions not stated): gnomAD exomes 0.13868; gnomAD 0.13099 and 0.13571; 1000 Genomes Project 0.21386; TOPMed 0.10283.

Submissions (3):

GeneDx
Classification: Benign. Last evaluated: 2018-06-14. Review status: criteria provided, single submitter. Criteria: GeneDx Variant Classification (06012015). Collection method: clinical testing. Allele origin: germline. Affected: yes.
Comment: This variant is considered likely benign or benign based on one or more of the following criteria: it is a conservative change, it occurs at a poorly conserved position in the protein, it is predicted to be benign by multiple in silico algorithms, and/or has population frequency not consistent with disease.

Breakthrough Genomics
Classification: Benign. Review status: criteria provided, single submitter. Criteria: ACMG Guidelines, 2015. Collection method: not provided. Allele origin: germline. Inheritance: Autosomal recessive inheritance. Affected: yes.

Laboratory for Molecular Medicine, Mass General Brigham Personalized Medicine
Classification: Benign. Last evaluated: 2007-03-08. Review status: no assertion criteria provided. Collection method: clinical testing. Allele origin: germline. Observed: 1 variant allele. Not counted in ClinVar's aggregate classification.